The following is an entry in ClinVar:

NC_000007.14:g.(?_116740842)_(116796134_?)dup

Gene: MET (MET proto-oncogene, receptor tyrosine kinase; plus strand). Cytogenetic location: 7q31.2.
Variant type: Duplication.
Identifiers: ClinVar variation 832283 (VCV000832283.1).

ClinVar aggregate classification (germline): Uncertain significance (1 of 4 stars; one submission).

Conditions:
Papillary renal cell carcinoma type 1 (RCCP1). Also called: Renal adenocarcinoma; Renal cell carcinoma 1; Renal cell carcinoma, somatic; RENAL CELL CARCINOMA, PAPILLARY, 1, SOMATIC. Identifiers: Orphanet 47044, MedGen C1336839, OMIM 605074, HP:0011797.

Submission:

Labcorp Genetics (formerly Invitae), Labcorp
Classification: Uncertain significance for Renal cell carcinoma, papillary, 1. Last evaluated: 2019-03-20. Review status: criteria provided, single submitter. Criteria: Invitae Variant Classification Sherloc (09022015). Collection method: clinical testing. Allele origin: germline.
Comment: This variant is a gross duplication of the genomic region encompassing exons 5-21 of the MET gene. The 5' boundary is likely confined to intron 4. The 3' end of this event is unknown as it extends beyond the assayed region for this gene and therefore may encompass additional genes. This duplication has not been reported in the literature in individuals with MET-related disease. Experimental studies and prediction algorithms are not available for this variant, and the functional significance of this duplication is currently unknown. In summary, the exact genomic location of this variant is unknown and the impact of this duplication on MET protein function has not been established. Therefore, it has been classified as a Variant of Uncertain Significance.